The following is an entry in ClinVar:

NM_005876.5(SPEG):c.8014G>A (p.Val2672Met)

Genes: ASIC4-AS1 (ASIC4 antisense RNA 1; minus strand), SPEG (striated muscle enriched protein kinase; plus strand). Cytogenetic location: 2q35.
Variant type: single nucleotide variant.
Coding change: c.8014G>A on transcript NM_005876.5 (MANE Select); coding-DNA position 8014, G replaced by A.
Protein change: p.Val2672Met; replaces valine 2672 with methionine.
Molecular consequence: missense variant.
Genome position (GRCh38, 1-based): chr2:219,488,653, G>A. VCF-style: chr2-219488653-G-A. GRCh37 (hg19) VCF-style: chr2-220353375-G-A.
Other names: c.8014G>A (NM_005876.4); short protein forms V2672M.
Identifiers: ClinVar variation 1912661 (VCV001912661.6), dbSNP rs773412903, ClinGen allele CA2127354.
Genomic context (GRCh38, chr2:219,488,653, plus strand): 5'-GCCGGTCTCTATGAGTGCTCGGCCACCAACGTACTGGGCAGCATCACCAGCTCCTGTACC[G>A]TGGCTGTGGCCCGTGAGCCTGGGGCAGGGCCCCAGGGGGGTAGTGATGGGGATGGTGGGA-3'
Protein context (NP_005867.3, residues 2662-2682): VLGSITSSCT[Val2672Met]AVARVPGKLA

ClinVar aggregate classification (germline): Uncertain significance. Review status: criteria provided, multiple submitters, no conflicts (2 of 4 stars). 2 submissions from 2 submitters: Uncertain significance (2). Last evaluated 2025-01-20.

Conditions:
Inborn genetic diseases. Identifiers: MedGen C0950123, MeSH D030342.

Allele frequency attached by ClinVar (database versions not stated): gnomAD exomes 0.00001; TOPMed 0.00001; gnomAD 0.00002; ExAC 0.00004.
gnomAD v4.1: 12 of 1,602,686 alleles (0.00075%); highest among the groups gnomAD compares: South Asian, 0.0022%; no homozygotes.

Submissions (2):

Ambry Genetics
Classification: Uncertain significance for Inborn genetic diseases. Last evaluated: 2025-01-20. Review status: criteria provided, single submitter. Criteria: Ambry Variant Classification Scheme 2023. Collection method: clinical testing. Allele origin: germline.

Labcorp Genetics (formerly Invitae), Labcorp
Classification: Uncertain significance. Last evaluated: 2022-07-24. Review status: criteria provided, single submitter. Criteria: Invitae Variant Classification Sherloc (09022015). Collection method: clinical testing. Allele origin: germline.
Comment: This variant has not been reported in the literature in individuals affected with SPEG-related conditions. Algorithms developed to predict the effect of missense changes on protein structure and function are either unavailable or do not agree on the potential impact of this missense change (SIFT: "Deleterious"; PolyPhen-2: "Possibly Damaging"; Align-GVGD: "Class C0"). This variant is present in population databases (rs773412903, gnomAD 0.007%). In summary, the available evidence is currently insufficient to determine the role of this variant in disease. Therefore, it has been classified as a Variant of Uncertain Significance. This sequence change replaces valine, which is neutral and non-polar, with methionine, which is neutral and non-polar, at codon 2672 of the SPEG protein (p.Val2672Met).